The following is an entry in ClinVar:

ClinVar aggregate classification (germline): Uncertain significance (1 of 4 stars; one submission).

Conditions:
Intellectual developmental disorder 61. Also called: INTELLECTUAL DEVELOPMENTAL DISORDER, AUTOSOMAL DOMINANT 61; MENTAL RETARDATION, AUTOSOMAL DOMINANT 61. Identifiers: MedGen C5231400, MONDO:0032485, OMIM 618009.

Submission:

Clinical Genomics Laboratory, Washington University in St. Louis
Classification: Uncertain significance for Intellectual developmental disorder 61. Last evaluated: 2023-08-09. Review status: criteria provided, single submitter. Criteria: ACMG Guidelines, 2015. Collection method: clinical testing. Allele origin: germline.
Comment: The MED13 c.316G>A (p.Val106Met) variant has not been reported in the medical literature to our knowledge. This variant is absent from the general population (gnomAD v.2.1.1), indicating it is not a common variant. Computational predictors are uncertain/conflicting as to the impact of this variant on MED13 protein function. Due to limited information, and based on ACMG/AMP guidelines for variant interpretation (Richards S et al., PMID: 25741868), the clinical significance of this variant is uncertain at this time.

NM_005121.3(MED13):c.316G>A (p.Val106Met)

Gene: MED13 (mediator complex subunit 13; minus strand). Cytogenetic location: 17q23.2.
Variant type: single nucleotide variant.
Coding change: c.316G>A on transcript NM_005121.3 (MANE Select); coding-DNA position 316, G replaced by A.
Protein change: p.Val106Met; replaces valine 106 with methionine.
Molecular consequence: missense variant.
Genome position (GRCh38, 1-based): chr17:62,052,691, C>T on the plus strand (G>A on the coding strand, the complement: MED13 is on the minus strand). VCF-style: chr17-62052691-C-T. GRCh37 (hg19) VCF-style: chr17-60130052-C-T.
Other names: short protein forms V106M.
Identifiers: ClinVar variation 2672202 (VCV002672202.1), dbSNP rs2509205631, ClinGen allele CA400787144.
Genomic context (GRCh38, chr17:62,052,691, plus strand): 5'-GATTGTGAACTGCTTTGAAAAGCAGAGTACGGCATTCATAGGAAAGTCCATTCTCCCACA[C>T]TCCATCTTCTTCTTCTAAAAGAGAAATGAAGGAAATAATAAAATAGTGACACTATAATCT-3'
Protein context (NP_005112.2, residues 96-116): HHDLSEEEDG[Val106Met]WENGLSYECR